The following is an entry in ClinVar:

NM_032776.3(JMJD1C):c.5827G>A (p.Val1943Ile)

Gene: JMJD1C (jumonji domain containing 1C; minus strand). Cytogenetic location: 10q21.3.
Variant type: single nucleotide variant.
Coding change: c.5827G>A on transcript NM_032776.3 (MANE Select); coding-DNA position 5827, G replaced by A.
Protein change: p.Val1943Ile; replaces valine 1943 with isoleucine.
Molecular consequence: missense variant. On other transcripts: non-coding transcript variant (1).
Genome position (GRCh38, 1-based): chr10:63,193,380, C>T on the plus strand (G>A on the coding strand, the complement: JMJD1C is on the minus strand). VCF-style: chr10-63193380-C-T. GRCh37 (hg19) VCF-style: chr10-64953140-C-T.
Other names: c.5281G>A, p.Val1761Ile (NM_001282948.2, NM_001318154.2); c.4963G>A, p.Val1655Ile (NM_001318153.2); c.5713G>A, p.Val1905Ile (NM_001322252.2); c.5170G>A, p.Val1724Ile (NM_001322254.2, NM_001322258.2); short protein forms V1655I, V1724I, V1761I, V1905I, V1943I.
Identifiers: ClinVar variation 5040348 (VCV005040348.1).
Genomic context (GRCh38, chr10:63,193,380, plus strand): 5'-TGAATAACCAGAGATTTTTACTCACTTGAGATACACCATTCATTGTAGGAAAATTTCCAA[C>T]TTGTAAATTCTGTTTGTTAGTACAATGACAATGGGATTTAATACCATATTTTTCCCTAAG-3'
Protein context (NP_116165.1, residues 1933-1953): CHCTNKQNLQ[Val1943Ile]GNFPTMNGVS

ClinVar aggregate classification (germline): Likely benign (1 of 4 stars; one submission).

gnomAD v4.1: 3 of 1,603,668 alleles (0.00019%); highest among the groups gnomAD compares: African/African-American, 0.004%; no homozygotes.

Submission:

CeGaT Center for Human Genetics Tuebingen
Classification: Likely benign. Last evaluated: 2026-07-01. Review status: criteria provided, single submitter. Criteria: CeGaT Center For Human Genetics Tuebingen Variant Classification Criteria Version 2. Collection method: clinical testing. Allele origin: germline. Affected: yes. Observed: 1 variant allele.
Comment: JMJD1C: BP4